The following is an entry in ClinVar:

NM_000179.3(MSH6):c.458-9T>C

Gene: MSH6 (mutS homolog 6; plus strand). Cytogenetic location: 2p16.3.
Variant type: single nucleotide variant.
Coding change: c.458-9T>C on transcript NM_000179.3 (MANE Select); 9 bases into the intron before coding-DNA position 458, T replaced by C.
Molecular consequence: intron variant.
Genome position (GRCh38, 1-based): chr2:47,795,885, T>C. VCF-style: chr2-47795885-T-C. GRCh37 (hg19) VCF-style: chr2-48023024-T-C.
Other names: c.-279-2726T>C (NM_001281493.2); c.238-2726T>C (NM_001281492.2); c.-445-9T>C (NM_001281494.2).
Identifiers: ClinVar variation 669026 (VCV000669026.2), dbSNP rs1572716040, ClinGen allele CA915943793.
Genomic context (GRCh38, chr2:47,795,885, plus strand): 5'-AACTGCTGGGATTACAGGCGTGAGCCTCTGCACCCGGCCCTTATTGTTTATAAATACATT[T>C]CTTTCTAGGTTCAAAATCAAAGGAAGCCCAGAAGGGAGGTCATTTTTACAGTGCAAAGCC-3'

ClinVar aggregate classification (germline): Conflicting classifications of pathogenicity. Review status: criteria provided, conflicting classifications (1 of 4 stars). 2 submissions from 2 submitters: Uncertain significance (1); Likely benign (1). Last evaluated 2022-02-28.

Submissions (2):

Women's Health and Genetics/Laboratory Corporation of America, LabCorp
Classification: Uncertain significance. Last evaluated: 2022-02-28. Review status: criteria provided, single submitter. Criteria: LabCorp Variant Classification Summary - May 2015. Collection method: clinical testing. Allele origin: germline.

GeneDx
Classification: Likely benign. Last evaluated: 2018-05-23. Review status: criteria provided, single submitter. Criteria: GeneDx Variant Classification (06012015). Collection method: clinical testing. Allele origin: germline. Affected: yes.
Comment: This variant is considered likely benign or benign based on one or more of the following criteria: it is a conservative change, it occurs at a poorly conserved position in the protein, it is predicted to be benign by multiple in silico algorithms, and/or has population frequency not consistent with disease.